The following is an entry in ClinVar:

ClinVar aggregate classification (germline): Uncertain significance (1 of 4 stars; one submission).

Conditions:
LAMA2-related muscular dystrophy (LAMA2-RD). Also called: Laminin alpha 2-related dystrophy. Identifiers: MedGen C5679788, MONDO:0100228.

Allele frequency attached by ClinVar (database versions not stated): TOPMed below 0.00001; ExAC 0.00001; gnomAD 0.00001.
gnomAD v4.1: 1 of 1,612,934 alleles (0.000062%); highest among the groups gnomAD compares: African/African-American, 0.0013%; no homozygotes.

Submission:

Labcorp Genetics (formerly Invitae), Labcorp
Classification: Uncertain significance for LAMA2-related muscular dystrophy. Last evaluated: 2022-11-28. Review status: criteria provided, single submitter. Criteria: Invitae Variant Classification Sherloc (09022015). Collection method: clinical testing. Allele origin: germline.
Comment: This sequence change replaces isoleucine, which is neutral and non-polar, with threonine, which is neutral and polar, at codon 2170 of the LAMA2 protein (p.Ile2170Thr). This variant is present in population databases (rs763533627, gnomAD 0.007%). This variant has not been reported in the literature in individuals affected with LAMA2-related conditions. Advanced modeling of protein sequence and biophysical properties (such as structural, functional, and spatial information, amino acid conservation, physicochemical variation, residue mobility, and thermodynamic stability) performed at Invitae indicates that this missense variant is not expected to disrupt LAMA2 protein function. In summary, the available evidence is currently insufficient to determine the role of this variant in disease. Therefore, it has been classified as a Variant of Uncertain Significance.

NM_000426.4(LAMA2):c.6509T>C (p.Ile2170Thr)

Gene: LAMA2 (laminin subunit alpha 2; plus strand). Cytogenetic location: 6q22.33.
Variant type: single nucleotide variant.
Coding change: c.6509T>C on transcript NM_000426.4 (MANE Select); coding-DNA position 6509, T replaced by C.
Protein change: p.Ile2170Thr; replaces isoleucine 2170 with threonine.
Molecular consequence: missense variant.
Genome position (GRCh38, 1-based): chr6:129,453,067, T>C. VCF-style: chr6-129453067-T-C. GRCh37 (hg19) VCF-style: chr6-129774212-T-C.
Other names: c.6509T>C, p.Ile2170Thr (NM_001079823.2); short protein forms I2170T.
Identifiers: ClinVar variation 2086794 (VCV002086794.4), dbSNP rs763533627, ClinGen allele CA3994286.